The following is an entry in ClinVar:

NM_004273.5(CHST3):c.828C>T (p.Arg276=)

Gene: CHST3 (carbohydrate sulfotransferase 3; plus strand). Cytogenetic location: 10q22.1.
Variant type: single nucleotide variant.
Coding change: c.828C>T on transcript NM_004273.5 (MANE Select); coding-DNA position 828, C replaced by T.
Protein change: p.Arg276=; no amino-acid change (arginine 276 retained).
Molecular consequence: synonymous variant.
Genome position (GRCh38, 1-based): chr10:72,007,859, C>T. VCF-style: chr10-72007859-C-T. GRCh37 (hg19) VCF-style: chr10-73767617-C-T.
Identifiers: ClinVar variation 300563 (VCV000300563.23), dbSNP rs140547825, ClinGen allele CA5548180.

ClinVar aggregate classification (germline): Benign/Likely benign. Review status: criteria provided, multiple submitters, no conflicts (2 of 4 stars). 2 submissions from 2 submitters: Benign (1); Likely benign (1). Last evaluated 2026-02-01.

Conditions:
Spondyloepiphyseal dysplasia with congenital joint dislocations (SEDCJD). Also called: Chondrodysplasia with Congenital Joint Dislocations, CHST3-Related. Identifiers: Orphanet 263463, MedGen C1837657, MONDO:0007738, OMIM 143095.

Allele frequency attached by ClinVar (database versions not stated): gnomAD exomes 0.00037 and 0.00086; ExAC 0.00146; gnomAD 0.00370 and 0.00397; TOPMed 0.00379; ESP Exome Variant Server 0.00386; 1000 Genomes Project 0.00439; 1000 Genomes Project 30x 0.00468.
gnomAD v4.1: 1,106 of 1,601,756 alleles (0.069%); highest among the groups gnomAD compares: African/African-American, 1.3%; 10 homozygotes.

Submissions (2):

Labcorp Genetics (formerly Invitae), Labcorp
Classification: Benign for Spondyloepiphyseal dysplasia with congenital joint dislocations. Last evaluated: 2026-02-01. Review status: criteria provided, single submitter. Criteria: Invitae Variant Classification Sherloc (09022015). Collection method: clinical testing. Allele origin: germline.

CeGaT Center for Human Genetics Tuebingen
Classification: Likely benign. Last evaluated: 2025-09-01. Review status: criteria provided, single submitter. Criteria: CeGaT Center For Human Genetics Tuebingen Variant Classification Criteria Version 2. Collection method: clinical testing. Allele origin: germline. Affected: yes. Observed: 1 variant allele.
Comment: CHST3: BP4, BS1